The following is an entry in ClinVar:

ClinVar aggregate classification (germline): Likely benign (1 of 4 stars; one submission).

gnomAD v4.1: 6 of 1,497,356 alleles (0.0004%); highest among the groups gnomAD compares: Non-Finnish European, 0.00054%; no homozygotes.

Submission:

CeGaT Center for Human Genetics Tuebingen
Classification: Likely benign. Last evaluated: 2026-03-01. Review status: criteria provided, single submitter. Criteria: CeGaT Center For Human Genetics Tuebingen Variant Classification Criteria Version 2. Collection method: clinical testing. Allele origin: germline. Affected: yes. Observed: 1 variant allele.
Comment: FHOD3: BP4

NM_001281740.3(FHOD3):c.997C>T (p.Pro333Ser)

Gene: FHOD3 (formin homology 2 domain containing 3; plus strand). Cytogenetic location: 18q12.2.
Variant type: single nucleotide variant.
Coding change: c.997C>T on transcript NM_001281740.3 (MANE Select); coding-DNA position 997, C replaced by T.
Protein change: p.Pro333Ser; replaces proline 333 with serine.
Molecular consequence: missense variant.
Genome position (GRCh38, 1-based): chr18:36,625,550, C>T. VCF-style: chr18-36625550-C-T. GRCh37 (hg19) VCF-style: chr18-34205513-C-T.
Other names: c.997C>T, p.Pro333Ser (NM_001281739.3, NM_025135.5); short protein forms P333S.
Identifiers: ClinVar variation 4823504 (VCV004823504.4).
Genomic context (GRCh38, chr18:36,625,550, plus strand): 5'-GGGCGTGCTCTGCTTTTCCAGGTGGCGCTCAGGCACGAGGATGGCGATGAGACCACGGAG[C>T]CACCCCCCAGTGGGTGCCGGGACCGGAGGAGGGCCAGCGTGTGTTCCAGTGGCGGAGGCG-3'
Protein context (NP_001268669.1, residues 323-343): RHEDGDETTE[Pro333Ser]PPSGCRDRRR